The following is an entry in ClinVar:

NM_003151.4(STAT4):c.1061A>G (p.Asn354Ser)

Gene: STAT4 (signal transducer and activator of transcription 4; minus strand). Cytogenetic location: 2q32.2.
Variant type: single nucleotide variant.
Coding change: c.1061A>G on transcript NM_003151.4 (MANE Select); coding-DNA position 1061, A replaced by G.
Protein change: p.Asn354Ser; replaces asparagine 354 with serine.
Molecular consequence: missense variant.
Genome position (GRCh38, 1-based): chr2:191,058,743, T>C on the plus strand (A>G on the coding strand, the complement: STAT4 is on the minus strand). VCF-style: chr2-191058743-T-C. GRCh37 (hg19) VCF-style: chr2-191923469-T-C.
Other names: c.1061A>G, p.Asn354Ser (NM_001243835.2); short protein forms N354S.
Identifiers: ClinVar variation 3674419 (VCV003674419.2).

ClinVar aggregate classification (germline): Uncertain significance (1 of 4 stars; one submission).

Submission:

Labcorp Genetics (formerly Invitae), Labcorp
Classification: Uncertain significance. Last evaluated: 2025-06-04. Review status: criteria provided, single submitter. Criteria: Invitae Variant Classification Sherloc (09022015). Collection method: clinical testing. Allele origin: germline.
Comment: This sequence change replaces asparagine, which is neutral and polar, with serine, which is neutral and polar, at codon 354 of the STAT4 protein (p.Asn354Ser). This variant is not present in population databases (gnomAD no frequency). This variant has not been reported in the literature in individuals affected with STAT4-related conditions. ClinVar contains an entry for this variant (Variation ID: 3674419). Invitae Evidence Modeling of protein sequence and biophysical properties (such as structural, functional, and spatial information, amino acid conservation, physicochemical variation, residue mobility, and thermodynamic stability) indicates that this missense variant is not expected to disrupt STAT4 protein function with a negative predictive value of 80%. In summary, the available evidence is currently insufficient to determine the role of this variant in disease. Therefore, it has been classified as a Variant of Uncertain Significance.